The following is an entry in ClinVar:

ClinVar aggregate classification (germline): Uncertain significance. Review status: criteria provided, multiple submitters, no conflicts (2 of 4 stars). 4 submissions from 4 submitters: Uncertain significance (4). Last evaluated 2024-01-08.

Conditions:
Inborn genetic diseases. Identifiers: MedGen C0950123, MeSH D030342.
Joubert syndrome 3 (JBTS3). Also called: AHI1-related Ciliopathy. Identifiers: Orphanet 220493, MedGen C1837713, MONDO:0012078, OMIM 608629.
Joubert syndrome. Also called: JOUBERT-BOLTSHAUSER SYNDROME; Familial aplasia of the vermis. Identifiers: Orphanet 475, MedGen C5979921, MONDO:0018772.

Allele frequency attached by ClinVar (database versions not stated): gnomAD exomes below 0.00001 and 0.00001; gnomAD 0.00001; ExAC 0.00004; 1000 Genomes Project 0.00020; 1000 Genomes Project 30x 0.00031.
gnomAD v4.1: 6 of 1,517,128 alleles (0.0004%); highest among the groups gnomAD compares: East Asian, 0.0023%; no homozygotes.

Submissions (4):

Blueprint Genetics
Classification: Uncertain significance. Last evaluated: 2024-01-08. Review status: criteria provided, single submitter. Criteria: ACMG Guidelines, 2015. Collection method: clinical testing. Allele origin: germline.

Ambry Genetics
Classification: Uncertain significance for Inborn genetic diseases. Last evaluated: 2022-08-08. Review status: criteria provided, single submitter. Criteria: Ambry Variant Classification Scheme 2023. Collection method: clinical testing. Allele origin: germline.

Labcorp Genetics (formerly Invitae), Labcorp
Classification: Uncertain significance for Joubert syndrome. Last evaluated: 2022-05-25. Review status: criteria provided, single submitter. Criteria: Invitae Variant Classification Sherloc (09022015). Collection method: clinical testing. Allele origin: germline.
Comment: This sequence change replaces tyrosine, which is neutral and polar, with cysteine, which is neutral and slightly polar, at codon 392 of the AHI1 protein (p.Tyr392Cys). The frequency data for this variant in the population databases is considered unreliable, as metrics indicate poor data quality at this position in the gnomAD database. This variant has not been reported in the literature in individuals affected with AHI1-related conditions. ClinVar contains an entry for this variant (Variation ID: 1064388). Advanced modeling of protein sequence and biophysical properties (such as structural, functional, and spatial information, amino acid conservation, physicochemical variation, residue mobility, and thermodynamic stability) performed at Invitae indicates that this missense variant is not expected to disrupt AHI1 protein function. In summary, the available evidence is currently insufficient to determine the role of this variant in disease. Therefore, it has been classified as a Variant of Uncertain Significance.

Fulgent Genetics
Classification: Uncertain significance for Joubert syndrome 3. Last evaluated: 2021-09-22. Review status: criteria provided, single submitter. Criteria: ACMG Guidelines, 2015. Collection method: clinical testing. Allele origin: unknown.

NM_001134831.2(AHI1):c.1175A>G (p.Tyr392Cys)

Gene: AHI1 (Abelson helper integration site 1; minus strand). Cytogenetic location: 6q23.3.
Variant type: single nucleotide variant.
Coding change: c.1175A>G on transcript NM_001134831.2 (MANE Select); coding-DNA position 1175, A replaced by G.
Protein change: p.Tyr392Cys; replaces tyrosine 392 with cysteine.
Molecular consequence: missense variant.
Genome position (GRCh38, 1-based): chr6:135,455,903, T>C on the plus strand (A>G on the coding strand, the complement: AHI1 is on the minus strand). VCF-style: chr6-135455903-T-C. GRCh37 (hg19) VCF-style: chr6-135777041-T-C.
Other names: c.1175A>G, p.Tyr392Cys (NM_001134830.2, NM_001134832.2, NM_001350503.2 and 2 more transcripts); short protein forms Y392C.
Identifiers: ClinVar variation 1064388 (VCV001064388.9), dbSNP rs561883150, ClinGen allele CA4012639.
Genomic context (GRCh38, chr6:135,455,903, plus strand): 5'-TGTTTAAAATCATATGGCTGGGTCATAATAGGAAGAATATAATCCACATTCTCTTTTTCA[T>C]AGTAAGATGAAACAGGCCGTCCACTGTACAAAAAAAGATACTTCCATTAACACAATTTTC-3'
Protein context (NP_001128303.1, residues 382-402): DDSGRPVSSY[Tyr392Cys]EKENVDYILP